The following is an entry in ClinVar:

NM_001042492.3(NF1):c.7195del (p.Arg2399fs)

Gene: NF1 (neurofibromin 1; plus strand). Cytogenetic location: 17q11.2.
Variant type: Deletion.
Coding change: c.7195del on transcript NM_001042492.3 (MANE Select); coding-DNA position 7195, one base deleted (A; older notation c.7195delA).
Protein change: p.Arg2399fs; shifts the reading frame from arginine 2399.
Molecular consequence: frameshift variant.
Genome position (GRCh38, 1-based): chr17:31,349,125, A deleted. VCF-style (leftmost placement, unchanged base first): chr17-31349124-CA-C. GRCh37 (hg19) VCF-style: chr17-29676142-CA-C.
Other names: c.7132delA, p.Arg2378Glyfs (NM_000267.4); short protein forms R2399fs, R2378fs.
Identifiers: ClinVar variation 428981 (VCV000428981.3), dbSNP rs1131691102, ClinGen allele CA645369728.

ClinVar aggregate classification (germline): Pathogenic (1 of 4 stars; one submission).

Conditions:
Hereditary cancer-predisposing syndrome. Also called: Hereditary Cancer Syndrome; Neoplastic Syndromes, Hereditary; Hereditary neoplastic syndrome; Tumor predisposition. Identifiers: Orphanet 140162, MedGen C0027672, MeSH D009386, MONDO:0015356.

Submission:

Ambry Genetics
Classification: Pathogenic for Hereditary cancer-predisposing syndrome. Last evaluated: 2016-02-13. Review status: criteria provided, single submitter. Criteria: Ambry Autosomal Dominant and X-Linked criteria (10/2015). Collection method: clinical testing. Allele origin: germline. Observed: 1 variant allele.
Comment: The c.7195delApathogenic mutation (also known asc.7132delA), located in coding exon 49 of the NF1 gene, results from a deletion of one nucleotide at nucleotide position 7195, causing a translational frameshift with a predicted alternate stop codon. Since frameshifts are typically deleterious in nature, this alteration is interpreted as a disease-causing mutation (ACMG Recommendations for Standards for Interpretation and Reporting of Sequence Variations. Revision 2007. Genet Med. 2008;10:294).